The following is an entry in ClinVar:

NM_006941.4(SOX10):c.533G>A (p.Arg178Gln)

Genes: POLR2F (RNA polymerase II, I and III subunit F; plus strand), SOX10 (SRY-box transcription factor 10; minus strand). Cytogenetic location: 22q13.1.
Variant type: single nucleotide variant.
Coding change: c.533G>A on transcript NM_006941.4 (MANE Select); coding-DNA position 533, G replaced by A.
Protein change: p.Arg178Gln; replaces arginine 178 with glutamine.
Molecular consequence: missense variant. On other transcripts: intron variant (3).
Genome position (GRCh38, 1-based): chr22:37,978,031, C>T on the plus strand (G>A on the coding strand, the complement: SOX10 is on the minus strand). VCF-style: chr22-37978031-C-T. GRCh37 (hg19) VCF-style: chr22-38374038-C-T.
Other names: c.*38+5721C>T (NM_001363825.1); c.294-8123C>T (NM_001301130.2); c.293+10861C>T (NM_001301131.2); short protein forms R178Q.
Identifiers: ClinVar variation 3349197 (VCV003349197.1).

ClinVar aggregate classification (germline): Uncertain significance (0 of 4 stars; one submission).

Conditions:
SOX10-related disorder. Also called: SOX10-related condition.

gnomAD v4.1: 2 of 1,611,284 alleles (0.00012%); highest among the groups gnomAD compares: East Asian, 0.0022%; no homozygotes.

Submission:

PreventionGenetics, part of Exact Sciences
Classification: Uncertain significance for SOX10-related condition. Last evaluated: 2024-05-10. Review status: no assertion criteria provided. Collection method: clinical testing. Allele origin: germline.
Comment: The SOX10 c.533G>A variant is predicted to result in the amino acid substitution p.Arg178Gln. This variant has not been reported in a large population database, indicating this variant is rare. Although we suspect that this variant may be pathogenic, at this time, the clinical significance of this variant is uncertain due to the absence of conclusive functional and genetic evidence.